The following is an entry in ClinVar:

NM_007118.4(TRIO):c.5835G>A (p.Ser1945=)

Gene: TRIO (trio Rho guanine nucleotide exchange factor; plus strand). Cytogenetic location: 5p15.2.
Variant type: single nucleotide variant.
Coding change: c.5835G>A on transcript NM_007118.4 (MANE Select); coding-DNA position 5835, G replaced by A.
Protein change: p.Ser1945=; no amino-acid change (serine 1945 retained).
Molecular consequence: synonymous variant. On other transcripts: non-coding transcript variant (1).
Genome position (GRCh38, 1-based): chr5:14,471,389, G>A. VCF-style: chr5-14471389-G-A. GRCh37 (hg19) VCF-style: chr5-14471498-G-A.
Other names: c.5835G>A (NM_007118.3).
Identifiers: ClinVar variation 3025346 (VCV003025346.23), dbSNP rs368260455, ClinGen allele CA3206871.

ClinVar aggregate classification (germline): Likely benign. Review status: criteria provided, single submitter (1 of 4 stars). 2 submissions from 2 submitters: Likely benign (1). 1 of the submissions does not count toward it. Last evaluated 2024-02-01.

Conditions:
TRIO-related disorder. Also called: TRIO-related condition; TRIO-related disorders.

Allele frequency attached by ClinVar (database versions not stated): gnomAD exomes 0.00002; ExAC 0.00005; gnomAD 0.00012; ESP Exome Variant Server 0.00015.
gnomAD v4.1: 43 of 1,613,932 alleles (0.0027%); highest among the groups gnomAD compares: African/African-American, 0.037%; no homozygotes.

Submissions (2):

CeGaT Center for Human Genetics Tuebingen
Classification: Likely benign. Last evaluated: 2024-02-01. Review status: criteria provided, single submitter. Criteria: CeGaT Center For Human Genetics Tuebingen Variant Classification Criteria Version 2. Collection method: clinical testing. Allele origin: germline. Affected: yes. Observed: 1 variant allele.
Comment: TRIO: BP4, BP7

PreventionGenetics, part of Exact Sciences
Classification: Likely benign for TRIO-related condition. Last evaluated: 2024-02-21. Review status: no assertion criteria provided. Collection method: clinical testing. Allele origin: germline. Not counted in ClinVar's aggregate classification.
Comment: This variant is classified as likely benign based on ACMG/AMP sequence variant interpretation guidelines (Richards et al. 2015 PMID: 25741868, with internal and published modifications).